The following is an entry in ClinVar:

NM_002890.3(RASA1):c.244G>C (p.Gly82Arg)

Gene: RASA1 (RAS p21 protein activator 1; plus strand). Cytogenetic location: 5q14.3.
Variant type: single nucleotide variant.
Coding change: c.244G>C on transcript NM_002890.3 (MANE Select); coding-DNA position 244, G replaced by C.
Protein change: p.Gly82Arg; replaces glycine 82 with arginine.
Molecular consequence: missense variant.
Genome position (GRCh38, 1-based): chr5:87,268,695, G>C. VCF-style: chr5-87268695-G-C. GRCh37 (hg19) VCF-style: chr5-86564512-G-C.
Other names: short protein forms G82R.
Identifiers: ClinVar variation 1791469 (VCV001791469.9), dbSNP rs767017718, ClinGen allele CA3335359.

ClinVar aggregate classification (germline): Uncertain significance. Review status: criteria provided, multiple submitters, no conflicts (2 of 4 stars). 2 submissions from 2 submitters: Uncertain significance (2). Last evaluated 2025-06-28.

Conditions:
Capillary malformation-arteriovenous malformation syndrome. Also called: Capillary malformation-arteriovenous malformation. Identifiers: Orphanet 137667, MedGen C1842180, MONDO:0012016.
Cardiovascular phenotype. Identifiers: MedGen CN230736.

Allele frequency attached by ClinVar (database versions not stated): gnomAD 0.00001.
gnomAD v4.1: 10 of 1,611,814 alleles (0.00062%); highest among the groups gnomAD compares: African/African-American, 0.0013%; no homozygotes.

Submissions (2):

Ambry Genetics
Classification: Uncertain significance for Cardiovascular phenotype. Last evaluated: 2025-06-28. Review status: criteria provided, single submitter. Criteria: Ambry Variant Classification Scheme 2023. Collection method: clinical testing. Allele origin: germline.
Comment: The p.G82R variant (also known as c.244G>C), located in coding exon 1 of the RASA1 gene, results from a G to C substitution at nucleotide position 244. The glycine at codon 82 is replaced by arginine, an amino acid with dissimilar properties. This amino acid position is conserved. In addition, this alteration is predicted to be tolerated by in silico analysis. Since supporting evidence is limited at this time, the clinical significance of this alteration remains unclear.

Labcorp Genetics (formerly Invitae), Labcorp
Classification: Uncertain significance for Capillary malformation-arteriovenous malformation syndrome. Last evaluated: 2023-11-28. Review status: criteria provided, single submitter. Criteria: Invitae Variant Classification Sherloc (09022015). Collection method: clinical testing. Allele origin: germline.
Comment: This sequence change replaces glycine, which is neutral and non-polar, with arginine, which is basic and polar, at codon 82 of the RASA1 protein (p.Gly82Arg). This variant is present in population databases (rs767017718, gnomAD 0.002%). This variant has not been reported in the literature in individuals affected with RASA1-related conditions. ClinVar contains an entry for this variant (Variation ID: 1791469). An algorithm developed to predict the effect of missense changes on protein structure and function (PolyPhen-2) suggests that this variant is likely to be disruptive. In summary, the available evidence is currently insufficient to determine the role of this variant in disease. Therefore, it has been classified as a Variant of Uncertain Significance.